The following is an entry in ClinVar:

ClinVar aggregate classification (germline): Uncertain significance (1 of 4 stars; one submission).

gnomAD v4.1: 1 of 1,614,018 alleles (0.000062%); highest among the groups gnomAD compares: East Asian, 0.0022%; no homozygotes.

Submission:

Mayo Clinic Laboratories, Mayo Clinic
Classification: Uncertain significance. Last evaluated: 2024-03-22. Review status: criteria provided, single submitter. Criteria: ACMG Guidelines, 2015. Collection method: clinical testing. Allele origin: germline. Observed: 1 variant allele.
Comment: PM2_moderate

NM_138477.4(CDAN1):c.1369G>A (p.Asp457Asn)

Gene: CDAN1 (codanin 1; minus strand). Cytogenetic location: 15q15.2.
Variant type: single nucleotide variant.
Coding change: c.1369G>A on transcript NM_138477.4 (MANE Select); coding-DNA position 1369, G replaced by A.
Protein change: p.Asp457Asn; replaces aspartic acid 457 with asparagine.
Molecular consequence: missense variant.
Genome position (GRCh38, 1-based): chr15:42,733,185, C>T on the plus strand (G>A on the coding strand, the complement: CDAN1 is on the minus strand). VCF-style: chr15-42733185-C-T. GRCh37 (hg19) VCF-style: chr15-43025383-C-T.
Other names: p.Asp457Asn; short protein forms D457N.
Identifiers: ClinVar variation 3380264 (VCV003380264.1).